The following is an entry in ClinVar:

ClinVar aggregate classification (germline): Pathogenic (1 of 4 stars; one submission).

Conditions:
Multiple gastrointestinal atresias. Also called: FAMILIAL INTESTINAL POLYATRESIA SYNDROME; Multiple intestinal atresia. Identifiers: Orphanet 2300, MedGen C0220744, MONDO:0009465.

gnomAD v4.1: 3 of 1,614,092 alleles (0.00019%); highest among the groups gnomAD compares: Non-Finnish European, 0.00025%; no homozygotes.

Submission:

Labcorp Genetics (formerly Invitae), Labcorp
Classification: Pathogenic for Multiple gastrointestinal atresias. Last evaluated: 2025-12-16. Review status: criteria provided, single submitter. Criteria: Invitae Variant Classification Sherloc (09022015). Collection method: clinical testing. Allele origin: germline.
Comment: This sequence change creates a premature translational stop signal (p.Gln579*) in the TTC7A gene. It is expected to result in an absent or disrupted protein product. Loss-of-function variants in TTC7A are known to be pathogenic (PMID: 23830146, 24292712). This variant is present in population databases (no rsID available, gnomAD 0.0009%). This variant has not been reported in the literature in individuals affected with TTC7A-related conditions. For these reasons, this variant has been classified as Pathogenic.

Literature cited by the submitters: PubMed 23830146; PubMed 24292712.

NM_020458.4(TTC7A):c.1735C>T (p.Gln579Ter)

Gene: TTC7A (tetratricopeptide repeat domain 7A; plus strand). Cytogenetic location: 2p21.
Variant type: single nucleotide variant.
Coding change: c.1735C>T on transcript NM_020458.4 (MANE Select); coding-DNA position 1735, C replaced by T.
Protein change: p.Gln579Ter; replaces glutamine 579 with a stop codon.
Molecular consequence: nonsense.
Genome position (GRCh38, 1-based): chr2:47,029,317, C>T. VCF-style: chr2-47029317-C-T. GRCh37 (hg19) VCF-style: chr2-47256456-C-T.
Other names: c.1735C>T, p.Gln579Ter (NM_001288951.2); c.1633C>T, p.Gln545Ter (NM_001288953.2); c.673C>T, p.Gln225Ter (NM_001288955.2); short protein forms Q225*, Q579*, Q545*.
Identifiers: ClinVar variation 4699093 (VCV004699093.1).